The following is an entry in ClinVar:

NM_014000.3(VCL):c.239+3G>A

Gene: VCL (vinculin; plus strand). Cytogenetic location: 10q22.2.
Variant type: single nucleotide variant.
Coding change: c.239+3G>A on transcript NM_014000.3 (MANE Select); 3 bases into the intron after coding-DNA position 239, G replaced by A.
Molecular consequence: intron variant.
Genome position (GRCh38, 1-based): chr10:74,043,156, G>A. VCF-style: chr10-74043156-G-A. GRCh37 (hg19) VCF-style: chr10-75802914-G-A.
Other names: c.239+3G>A (NM_003373.4).
Identifiers: ClinVar variation 999473 (VCV000999473.9), dbSNP rs372571288, ClinGen allele CA209683470.

ClinVar aggregate classification (germline): Uncertain significance. Review status: criteria provided, multiple submitters, no conflicts (2 of 4 stars). 2 submissions from 2 submitters: Uncertain significance (2). Last evaluated 2026-01-09.

Conditions:
Cardiovascular phenotype. Identifiers: MedGen CN230736.
Dilated cardiomyopathy 1W (CMD1W). Identifiers: Orphanet 154, MedGen C1969639, MONDO:0012667, OMIM 611407.

Allele frequency attached by ClinVar (database versions not stated): gnomAD exomes below 0.00001; gnomAD 0.00001; ESP Exome Variant Server 0.00008.
gnomAD v4.1: 5 of 1,611,756 alleles (0.00031%); highest among the groups gnomAD compares: Non-Finnish European, 0.00042%; no homozygotes.

Submissions (2):

Ambry Genetics
Classification: Uncertain significance for Cardiovascular phenotype. Last evaluated: 2026-01-09. Review status: criteria provided, single submitter. Criteria: Ambry Variant Classification Scheme 2023. Collection method: clinical testing. Allele origin: germline.
Comment: The c.239+3G>A intronic variant results from a G to A substitution 3 nucleotides after coding exon 2 in the VCL gene. This nucleotide position is not well conserved in available vertebrate species. In silico splice site analysis predicts that this alteration will not have any significant effect on splicing. Based on the available evidence, the clinical significance of this variant remains unclear.

Labcorp Genetics (formerly Invitae), Labcorp
Classification: Uncertain significance for Dilated cardiomyopathy 1W. Last evaluated: 2025-10-23. Review status: criteria provided, single submitter. Criteria: Invitae Variant Classification Sherloc (09022015). Collection method: clinical testing. Allele origin: germline.
Comment: This sequence change falls in intron 2 of the VCL gene. It does not directly change the encoded amino acid sequence of the VCL protein. It affects a nucleotide within the consensus splice site. This variant is not present in population databases (gnomAD no frequency). This variant has not been reported in the literature in individuals affected with VCL-related conditions. ClinVar contains an entry for this variant (Variation ID: 999473). Variants that disrupt the consensus splice site are a relatively common cause of aberrant splicing (PMID: 17576681, 9536098). Algorithms developed to predict the effect of sequence changes on RNA splicing suggest that this variant is not likely to affect RNA splicing. In summary, the available evidence is currently insufficient to determine the role of this variant in disease. Therefore, it has been classified as a Variant of Uncertain Significance.

Literature cited by the submitters: PubMed 17576681 (cited by Labcorp Genetics (formerly Invitae), Labcorp); PubMed 9536098 (cited by Labcorp Genetics (formerly Invitae), Labcorp).